The following is an entry in ClinVar:

ClinVar aggregate classification (germline): Conflicting classifications of pathogenicity. Review status: criteria provided, conflicting classifications (1 of 4 stars). 2 submissions from 2 submitters: Likely pathogenic (1); Uncertain significance (1). Last evaluated 2025-08-02.

Conditions:
Inborn genetic diseases. Identifiers: MedGen C0950123, MeSH D030342.

Submissions (2):

Ambry Genetics
Classification: Uncertain significance for Inborn genetic diseases. Last evaluated: 2025-08-02. Review status: criteria provided, single submitter. Criteria: Ambry Variant Classification Scheme 2023. Collection method: clinical testing. Allele origin: germline.

Genetic Services Laboratory, University of Chicago
Classification: Likely pathogenic. Last evaluated: 2019-10-28. Review status: criteria provided, single submitter. Criteria: ACMG Guidelines, 2015. Collection method: clinical testing. Allele origin: germline. Affected: yes.
Comment: DNA sequence analysis of the WDR62 gene demonstrated two sequence changes. The first sequence change, c.1963T>A, in exon 16, results in an amino acid change, p.Tyr655Asn. The p.Tyr655Asn change affects a highly conserved amino acid residue located in a WD40 repeat containing domain of the WDR62 protein that is known to be functional. The p.Tyr655Asn substitution appears to be deleterious using several in-silico pathogenicity prediction tools (SIFT, PolyPhen2, MutationTaster, REVEL). This particular amino acid change does not appear to have been described in the literature in other patients with WDR62 related disorders. It has not been reported in the population databases (ExAC and gnomAD). The second sequence change is a two base pair deletion in exon 16, c.1959_1960del

NM_001083961.2(WDR62):c.1963T>A (p.Tyr655Asn)

Gene: WDR62 (WD repeat domain 62; plus strand). Cytogenetic location: 19q13.12.
Variant type: single nucleotide variant.
Coding change: c.1963T>A on transcript NM_001083961.2 (MANE Select); coding-DNA position 1963, T replaced by A.
Protein change: p.Tyr655Asn; replaces tyrosine 655 with asparagine.
Molecular consequence: missense variant.
Genome position (GRCh38, 1-based): chr19:36,090,449, T>A. VCF-style: chr19-36090449-T-A. GRCh37 (hg19) VCF-style: chr19-36581351-T-A.
Other names: c.1963T>A, p.Tyr655Asn (NM_173636.5); short protein forms Y655N.
Identifiers: ClinVar variation 1338553 (VCV001338553.5), dbSNP rs2145777243, ClinGen allele CA405442024.